The following is an entry in ClinVar:

NM_005236.3(ERCC4):c.1019G>A (p.Arg340Gln)

Gene: ERCC4 (ERCC excision repair 4, endonuclease catalytic subunit; plus strand). Cytogenetic location: 16p13.12.
Variant type: single nucleotide variant.
Coding change: c.1019G>A on transcript NM_005236.3 (MANE Select); coding-DNA position 1019, G replaced by A.
Protein change: p.Arg340Gln; replaces arginine 340 with glutamine.
Molecular consequence: missense variant.
Genome position (GRCh38, 1-based): chr16:13,932,202, G>A. VCF-style: chr16-13932202-G-A. GRCh37 (hg19) VCF-style: chr16-14026059-G-A.
Other names: short protein forms R340Q.
Identifiers: ClinVar variation 861612 (VCV000861612.9), dbSNP rs753728949, ClinGen allele CA7910339.
Genomic context (GRCh38, chr16:13,932,202, plus strand): 5'-AACTTTTCGTATTAGGTTGGCTGTTTCTTGACTCCAGCACCTCGATGTTTATAAATGCTC[G>A]AGCAAGGGTTTATCATCTTCCAGATGCCAAAATGAGTAAAAAAGAAAAAATATCTGAAAA-3'
Protein context (NP_005227.1, residues 330-350): DSSTSMFINA[Arg340Gln]ARVYHLPDAK

ClinVar aggregate classification (germline): Uncertain significance (1 of 4 stars; one submission).

Conditions:
Xeroderma pigmentosum, group F (XPF). Also called: XERODERMA PIGMENTOSUM, COMPLEMENTATION GROUP F; XERODERMA PIGMENTOSUM VI; XP, GROUP F; ERCC4-Related Xeroderma Pigmentosum; XERODERMA PIGMENTOSUM, TYPE F; Xeroderma pigmentosum, type 6. Identifiers: MedGen C0268140, MONDO:0010215, OMIM 278760.
Cockayne syndrome. Identifiers: Orphanet 191, MedGen C0009207, MONDO:0016006.
Fanconi anemia complementation group Q. Identifiers: Orphanet 84, MedGen C3808988, MONDO:0014108, OMIM 615272.

Allele frequency attached by ClinVar (database versions not stated): TOPMed 0.00001; ExAC 0.00002; gnomAD exomes 0.00002.

Submission:

Labcorp Genetics (formerly Invitae), Labcorp
Classification: Uncertain significance for Fanconi anemia complementation group Q; Xeroderma pigmentosum, group F; Cockayne syndrome. Last evaluated: 2024-10-16. Review status: criteria provided, single submitter. Criteria: Invitae Variant Classification Sherloc (09022015). Collection method: clinical testing. Allele origin: germline.
Comment: This sequence change replaces arginine, which is basic and polar, with glutamine, which is neutral and polar, at codon 340 of the ERCC4 protein (p.Arg340Gln). This variant is present in population databases (rs753728949, gnomAD 0.01%). This variant has not been reported in the literature in individuals affected with ERCC4-related conditions. ClinVar contains an entry for this variant (Variation ID: 861612). Invitae Evidence Modeling of protein sequence and biophysical properties (such as structural, functional, and spatial information, amino acid conservation, physicochemical variation, residue mobility, and thermodynamic stability) indicates that this missense variant is not expected to disrupt ERCC4 protein function with a negative predictive value of 80%. In summary, the available evidence is currently insufficient to determine the role of this variant in disease. Therefore, it has been classified as a Variant of Uncertain Significance.